The following is an entry in ClinVar:

ClinVar aggregate classification (germline): Conflicting classifications of pathogenicity. Review status: criteria provided, conflicting classifications (1 of 4 stars). 3 submissions from 3 submitters: Likely pathogenic (1); Uncertain significance (1). 1 of the submissions does not count toward it. Last evaluated 2021-01-25.

Conditions:
Dyskeratosis congenita, autosomal dominant 1 (DKCA1). Also called: Dyskeratosis congenita Scoggins type. Identifiers: Orphanet 1775, MedGen C4551974, MONDO:0007485, OMIM 127550. Inheritance: Variable.
Telomere syndrome. Identifiers: MedGen C4727832, MONDO:0100137.
Pulmonary fibrosis and/or bone marrow failure, Telomere-related, 2. Also called: PULMONARY FIBROSIS AND/OR BONE MARROW FAILURE SYNDROME, TELOMERE-RELATED, 2. Identifiers: Orphanet 88, MedGen C3553622, MONDO:0013879, OMIM 614743.

Submissions (3):

Labcorp Genetics (formerly Invitae), Labcorp
Classification: Uncertain significance for Dyskeratosis congenita, autosomal dominant 1. Last evaluated: 2021-01-25. Review status: criteria provided, single submitter. Criteria: Invitae Variant Classification Sherloc (09022015). Collection method: clinical testing. Allele origin: germline.
Comment: This variant occurs in the TERC gene, which encodes an RNA molecule that does not result in a protein product. This variant is not present in population databases (ExAC no frequency). This variant has been observed in individual(s) with dyskeratosis congenita (DC) (PMID: 26024875). ClinVar contains an entry for this variant (Variation ID: 983511). Studies have shown that this variant alters TERC gene expression (PMID: 26024875). This variant is located within the template/pseudoknot domain of the TERC RNA component, which is required for RNA or RNP stability (PMID: 15082312, 21844345). A significant number of previously reported TERC mutations are found in this domain (PMID: 15082312, 21844345, 21931702). These observations suggest that this may be a clinically significant region of the protein. In summary, the available evidence is currently insufficient to determine the role of this variant in disease. Therefore, it has been classified as a Variant of Uncertain Significance.

Johns Hopkins Genomics, Johns Hopkins University
Classification: Likely pathogenic for Pulmonary fibrosis and/or bone marrow failure, Telomere-related, 2. Last evaluated: 2020-10-29. Review status: criteria provided, single submitter. Criteria: ACMG Guidelines, 2015. Collection method: clinical testing. Allele origin: germline.
Comment: TERC n.95G>C has been reported in patients presenting with aplastic anemia and dyskeratosis congenita. This variant is absent from a large population dataset and has not been reported in ClinVar. It is located within the pseudoknot/template domain, which is an important region for telomerase RNA structure. A functional study demonstrated that this variant causes significantly decreased telomerase activity compared to wild-type. We consider this variant to be likely pathogenic.

The Telomere Center at Johns Hopkins, Johns Hopkins University School of Medicine
Classification: Pathogenic for Telomere syndrome. Last evaluated: 2022-08-01. Review status: no assertion criteria provided. Collection method: clinical testing. Allele origin: germline. Affected: yes. Observed: 5 variant alleles. Not counted in ClinVar's aggregate classification.

Literature cited by the submitters: PubMed 26024875 (cited by Labcorp Genetics (formerly Invitae), Labcorp and Johns Hopkins Genomics, Johns Hopkins University); PubMed 15082312 (cited by Labcorp Genetics (formerly Invitae), Labcorp); PubMed 21844345 (cited by Labcorp Genetics (formerly Invitae), Labcorp); PubMed 21931702 (cited by Labcorp Genetics (formerly Invitae), Labcorp); PubMed 24763404 (cited by Johns Hopkins Genomics, Johns Hopkins University).

NR_001566.3(TERC):n.95G>C

Genes: TERC (telomerase RNA component; minus strand), LOC110806306 (telomerase RNA component (TERC) promoter; plus strand). Cytogenetic location: 3q26.2.
Variant type: single nucleotide variant.
Genome position: GRCh38 VCF-style: chr3-169764966-C-G. GRCh37 (hg19) VCF-style: chr3-169482754-C-G.
Identifiers: ClinVar variation 983511 (VCV000983511.34), dbSNP rs1777963668, ClinGen allele CA436715820.